The following is an entry in ClinVar:

NM_000744.7(CHRNA4):c.522C>A (p.Asn174Lys)

Gene: CHRNA4 (cholinergic receptor nicotinic alpha 4 subunit; minus strand). Cytogenetic location: 20q13.33.
Variant type: single nucleotide variant.
Coding change: c.522C>A on transcript NM_000744.7 (MANE Select); coding-DNA position 522, C replaced by A.
Protein change: p.Asn174Lys; replaces asparagine 174 with lysine.
Molecular consequence: missense variant. On other transcripts: 5 prime UTR variant (1), non-coding transcript variant (1).
Genome position (GRCh38, 1-based): chr20:63,350,889, G>T on the plus strand (C>A on the coding strand, the complement: CHRNA4 is on the minus strand). VCF-style: chr20-63350889-G-T. GRCh37 (hg19) VCF-style: chr20-61982241-G-T.
Other names: c.-7C>A (NM_001256573.2); c.522C>A (NM_000744.5); short protein forms N174K.
Identifiers: ClinVar variation 1057725 (VCV001057725.10), dbSNP rs2068586748, ClinGen allele CA409638161.
Genomic context (GRCh38, chr20:63,350,889, plus strand): 5'-CATGTTCACCAGGTCGATCTTGGCCTTGTCGTAGGTCCAGGAGCCGAATTTCATGGTGCA[G>T]TTCTGCTGGTCGAAGGGGAAGAAGGTGACGTCGATGCTGCAGGAGCTCTTGTAAATGGCC-3'
Protein context (NP_000735.1, residues 164-184): DVTFFPFDQQ[Asn174Lys]CTMKFGSWTY

ClinVar aggregate classification (germline): Uncertain significance. Review status: criteria provided, multiple submitters, no conflicts (2 of 4 stars). 2 submissions from 2 submitters: Uncertain significance (2). Last evaluated 2023-07-13.

Conditions:
Familial sleep-related hypermotor epilepsy. Also called: Autosomal Dominant Sleep-Related Hypermotor (Hyperkinetic) Epilepsy. Identifiers: Orphanet 98784, MedGen C3696898, MONDO:0000030.

Allele frequency attached by ClinVar (database versions not stated): TOPMed 0.00001.

Submissions (2):

GeneDx
Classification: Uncertain significance. Last evaluated: 2023-07-13. Review status: criteria provided, single submitter. Criteria: GeneDx Variant Classification Process June 2021. Collection method: clinical testing. Allele origin: germline. Affected: yes.
Comment: Not observed at significant frequency in large population cohorts (gnomAD); In silico analysis supports that this missense variant has a deleterious effect on protein structure/function; Has not been previously published as pathogenic or benign to our knowledge

Labcorp Genetics (formerly Invitae), Labcorp
Classification: Uncertain significance. Last evaluated: 2022-05-10. Review status: criteria provided, single submitter. Criteria: Invitae Variant Classification Sherloc (09022015). Collection method: clinical testing. Allele origin: germline.
Comment: This variant is not present in population databases (gnomAD no frequency). In summary, the available evidence is currently insufficient to determine the role of this variant in disease. Therefore, it has been classified as a Variant of Uncertain Significance. Algorithms developed to predict the effect of missense changes on protein structure and function are either unavailable or do not agree on the potential impact of this missense change (SIFT: "Deleterious"; PolyPhen-2: "Probably Damaging"; Align-GVGD: "Class C0"). ClinVar contains an entry for this variant (Variation ID: 1057725). This variant has not been reported in the literature in individuals affected with CHRNA4-related conditions. This sequence change replaces asparagine, which is neutral and polar, with lysine, which is basic and polar, at codon 174 of the CHRNA4 protein (p.Asn174Lys).